The following is an entry in ClinVar:

NM_001012339.3(DNAJC21):c.-171del

Genes: DNAJC21 (DnaJ heat shock protein family (Hsp40) member C21; plus strand), LOC129993790 (ATAC-STARR-seq lymphoblastoid silent region 15967; plus strand). Cytogenetic location: 5p13.2.
Variant type: Deletion.
Coding change: c.-171del on transcript NM_001012339.3 (MANE Select); 171 bases upstream of the start codon, one base deleted (C; older notation c.-171delC).
Molecular consequence: 5 prime UTR variant.
Genome position (GRCh38, 1-based): chr5:34,929,649, C deleted; the last of 2 consecutive C bases (chr5:34,929,648-34,929,649); deleting either gives the same sequence. VCF-style (leftmost placement, unchanged base first): chr5-34929647-AC-A. GRCh37 (hg19) VCF-style: chr5-34929752-AC-A.
Other names: c.-171del (NM_001348420.2, NM_194283.4).
Identifiers: ClinVar variation 1695122 (VCV001695122.31), dbSNP rs1266840568, ClinGen allele CA810091640.

ClinVar aggregate classification (germline): Uncertain significance (1 of 4 stars; one submission).

Submission:

CeGaT Center for Human Genetics Tuebingen
Classification: Uncertain significance. Last evaluated: 2022-05-01. Review status: criteria provided, single submitter. Criteria: CeGaT Center For Human Genetics Tuebingen Variant Classification Criteria Version 2. Collection method: clinical testing. Allele origin: germline. Affected: yes. Observed: 1 variant allele.
Comment: DNAJC21: PM2